The following is an entry in ClinVar:

ClinVar aggregate classification (germline): Pathogenic (1 of 4 stars; one submission).

Conditions:
Facioscapulohumeral muscular dystrophy 2 (FSHD2). Also called: MUSCULAR DYSTROPHY, FACIOSCAPULOHUMERAL, TYPE 1B; FACIOSCAPULOHUMERAL MUSCULAR DYSTROPHY 2, DIGENIC; FSHD2, DIGENIC. Identifiers: Orphanet 269, MedGen C1834671, MONDO:0008031, OMIM 158901.

Submission:

Labcorp Genetics (formerly Invitae), Labcorp
Classification: Pathogenic for Facioscapulohumeral muscular dystrophy 2. Last evaluated: 2025-10-15. Review status: criteria provided, single submitter. Criteria: Invitae Variant Classification Sherloc (09022015). Collection method: clinical testing. Allele origin: germline.
Comment: This sequence change creates a premature translational stop signal (p.Trp596*) in the SMCHD1 gene. It is expected to result in an absent or disrupted protein product. Loss-of-function variants in SMCHD1 are known to be pathogenic (PMID: 23143600). This variant is not present in population databases (gnomAD no frequency). This variant has not been reported in the literature in individuals affected with SMCHD1-related conditions. For these reasons, this variant has been classified as Pathogenic.

Literature cited by the submitters: PubMed 23143600.

NM_015295.3(SMCHD1):c.1787G>A (p.Trp596Ter)

Gene: SMCHD1 (structural maintenance of chromosomes flexible hinge domain containing 1; plus strand). Cytogenetic location: 18p11.32.
Variant type: single nucleotide variant.
Coding change: c.1787G>A on transcript NM_015295.3 (MANE Select); coding-DNA position 1787, G replaced by A.
Protein change: p.Trp596Ter; replaces tryptophan 596 with a stop codon.
Molecular consequence: nonsense.
Genome position (GRCh38, 1-based): chr18:2,703,831, G>A. VCF-style: chr18-2703831-G-A. GRCh37 (hg19) VCF-style: chr18-2703829-G-A.
Other names: short protein forms W596*.
Identifiers: ClinVar variation 4729266 (VCV004729266.1).